The following is an entry in ClinVar:

ClinVar aggregate classification (germline): Benign/Likely benign. Review status: criteria provided, multiple submitters, no conflicts (2 of 4 stars). 9 submissions from 9 submitters: Benign (6); Likely benign (3). Last evaluated 2026-03-01.

Conditions:
Exudative vitreoretinopathy 1 (EVR1). Also called: FEVR, AUTOSOMAL DOMINANT; Familial exudative vitreoretinopathy, autosomal dominant; CRISWICK-SCHEPENS SYNDROME. Identifiers: Orphanet 891, Orphanet 90050, MedGen C1851402, MONDO:0007589, OMIM 133780.

Allele frequency attached by ClinVar (database versions not stated): ESP Exome Variant Server 0.01160; 1000 Genomes Project 30x 0.01171; gnomAD 0.01236 and 0.01251; 1000 Genomes Project 0.01258; TOPMed 0.01415; ExAC 0.01529; gnomAD exomes 0.01686 and 0.01797.
gnomAD v4.1: 27,982 of 1,612,504 alleles (1.7%); highest among the groups gnomAD compares: Admixed American, 3.7%; 322 homozygotes.

Submissions (9):

CeGaT Center for Human Genetics Tuebingen
Classification: Benign. Last evaluated: 2026-03-01. Review status: criteria provided, single submitter. Criteria: CeGaT Center For Human Genetics Tuebingen Variant Classification Criteria Version 2. Collection method: clinical testing. Allele origin: germline. Affected: yes. Observed: 4 variant alleles.
Comment: FZD4: BS1, BS2

Labcorp Genetics (formerly Invitae), Labcorp
Classification: Benign. Last evaluated: 2026-02-01. Review status: criteria provided, single submitter. Criteria: Invitae Variant Classification Sherloc (09022015). Collection method: clinical testing. Allele origin: germline.

Fulgent Genetics
Classification: Likely benign for Exudative vitreoretinopathy 1. Last evaluated: 2022-03-29. Review status: criteria provided, single submitter. Criteria: ACMG Guidelines, 2015. Collection method: clinical testing. Allele origin: unknown.

GeneDx
Classification: Benign. Last evaluated: 2018-12-21. Review status: criteria provided, single submitter. Criteria: GeneDx Variant Classification Process June 2021. Collection method: clinical testing. Allele origin: germline. Affected: yes.
Comment: This variant is associated with the following publications: (PMID: 21179236, 28982955, 24744206, 27535533, 15733276, 15223780, 22995991)

Illumina Laboratory Services, Illumina
Classification: Benign for Exudative vitreoretinopathy 1. Last evaluated: 2018-03-06. Review status: criteria provided, single submitter. Criteria: ICSL Variant Classification Criteria 13 December 2019. Collection method: clinical testing. Allele origin: germline.
Comment: This variant was observed in the ICSL laboratory as part of a predisposition screen in an ostensibly healthy population. It had not been previously curated by ICSL or reported in the Human Gene Mutation Database (HGMD: prior to June 1st, 2018), and was therefore a candidate for classification through an automated scoring system. Utilizing variant allele frequency, disease prevalence and penetrance estimates, and inheritance mode, an automated score was calculated to assess if this variant is too frequent to cause the disease. Based on the score and internal cut-off values, a variant classified as benign is not then subjected to further curation. The score for this variant resulted in a classification of benign for this disease.

Laboratory for Molecular Medicine, Mass General Brigham Personalized Medicine
Classification: Likely benign. Last evaluated: 2016-03-29. Review status: criteria provided, single submitter. Criteria: LMM Criteria. Collection method: clinical testing. Allele origin: germline.
Comment: Variant identified in a genome or exome case(s) and assessed due to predicted null impact of the variant or pathogenic assertions in the literature or databases. Disclaimer: This variant has not undergone full assessment. The following are preliminary notes: Frequency in ESP (all): 150/12934=1.15%

Eurofins Ntd Llc (ga)
Classification: Benign. Last evaluated: 2014-10-28. Review status: criteria provided, single submitter. Criteria: EGL Classification Definitions 2015. Collection method: clinical testing. Allele origin: germline. Observed: 2 variant alleles, 2 heterozygotes.

Breakthrough Genomics
Classification: Likely benign. Review status: criteria provided, single submitter. Criteria: ACMG Guidelines, 2015. Collection method: not provided. Allele origin: germline. Inheritance: Autosomal dominant inheritance. Affected: yes.

Broad Center for Mendelian Genomics, Broad Institute of MIT and Harvard
Classification: Benign for Exudative vitreoretinopathy 1. Review status: criteria provided, single submitter. Criteria: ACMG Guidelines, 2015. Collection method: research. Allele origin: germline. Inheritance: Autosomal dominant inheritance. Affected: yes.
Comment: The heterozygous p.Pro33Ser variant in FZD4 has been identified in an individual with exudative vitreoretinopathy (PMID: 15733276), but has been identified in >4% of Latino chromosomes and 39 total homozygotes by ExAC. In summary, this variant meets criteria to be classified as benign for autosomal dominant exudative vitreoretinopathy.

Literature cited by the submitters: PubMed 21179236 (cited by Eurofins Ntd Llc (ga)).

NM_012193.4(FZD4):c.97C>T (p.Pro33Ser)

Gene: FZD4 (frizzled class receptor 4; minus strand). Cytogenetic location: 11q14.2.
Variant type: single nucleotide variant.
Coding change: c.97C>T on transcript NM_012193.4 (MANE Select); coding-DNA position 97, C replaced by T.
Protein change: p.Pro33Ser; replaces proline 33 with serine.
Molecular consequence: missense variant.
Genome position (GRCh38, 1-based): chr11:86,954,989, G>A on the plus strand (C>T on the coding strand, the complement: FZD4 is on the minus strand). VCF-style: chr11-86954989-G-A. GRCh37 (hg19) VCF-style: chr11-86666031-G-A.
Other names: short protein forms P33S.
Identifiers: ClinVar variation 193358 (VCV000193358.49), dbSNP rs61735304, ClinGen allele CA200518.